The following is an entry in ClinVar:

NM_000203.5(IDUA):c.1190-2A>T

Gene: IDUA (alpha-L-iduronidase; plus strand). Cytogenetic location: 4p16.3.
Variant type: single nucleotide variant.
Coding change: c.1190-2A>T on transcript NM_000203.5 (MANE Select); the canonical splice acceptor site of the intron before coding-DNA position 1190, A replaced by T.
Molecular consequence: splice acceptor variant.
Genome position (GRCh38, 1-based): chr4:1,002,730, A>T. VCF-style: chr4-1002730-A-T. GRCh37 (hg19) VCF-style: chr4-996518-A-T.
Other names: c.794-2A>T (NM_001363576.1); c.1190-2A>T (NM_000203.4).
Identifiers: ClinVar variation 556504 (VCV000556504.7), dbSNP rs994902207, ClinGen allele CA91169837.

ClinVar aggregate classification (germline): Pathogenic/Likely pathogenic. Review status: criteria provided, multiple submitters, no conflicts (2 of 4 stars). 4 submissions from 4 submitters: Pathogenic (1); Likely pathogenic (2). 1 of the submissions does not count toward it. Last evaluated 2026-01-27.

Conditions:
Hurler syndrome. Also called: Gargoylism, Hurler Syndrome; MUCOPOLYSACCHARIDOSIS TYPE IH; Severe MPS I (Hurler Syndrome). Identifiers: Orphanet 93473, MedGen C0086795, MONDO:0011758, OMIM 607014.
Mucopolysaccharidosis, MPS-I-S. Also called: Scheie Syndrome; MPS V; MUCOPOLYSACCHARIDOSIS TYPE V; MUCOPOLYSACCHARIDOSIS TYPE IS. Identifiers: Orphanet 93474, MedGen C0026708, MONDO:0011760, OMIM 607016.
Mucopolysaccharidosis, MPS-I-H/S. Also called: Mucopolysaccharidosis type IH/S. Identifiers: Orphanet 93476, MedGen C0086431, MONDO:0011759, OMIM 607015.
Mucopolysaccharidosis type 1. Also called: Mucopolysaccharidosis Type I; IDUA deficiency; MPS I. Identifiers: Orphanet 579, MedGen C0023786, MONDO:0001586.

Allele frequency attached by ClinVar (database versions not stated): TOPMed below 0.00001; gnomAD 0.00001.

Submissions (4):

Natera, Inc.
Classification: Pathogenic for Mucopolysaccharidosis type I. Last evaluated: 2026-01-27. Review status: criteria provided, single submitter. Criteria: Natera Variant Classification Schema (03/2026). Collection method: clinical testing. Allele origin: germline.
Comment: The c.1190-2A>T variant in IDUA is a canonical splice acceptor site variant predicted to affect pre-mRNA splicing, which may result in an abnormal transcript and altered protein product. This variant is expected to result in nonsense mediated decay, truncation, or a dysfunctional protein product. This variant is rare in the general population with a frequency below the threshold expected for the associated phenotype(s). Another variant at this same site results in an alteration predicted to cause a similar molecular effect has been observed in individual(s) with the associated phenotype. Given the available evidence, this variant is classified as Pathogenic.

Labcorp Genetics (formerly Invitae), Labcorp
Classification: Likely pathogenic for Mucopolysaccharidosis type 1. Last evaluated: 2024-06-04. Review status: criteria provided, single submitter. Criteria: Invitae Variant Classification Sherloc (09022015). Collection method: clinical testing. Allele origin: germline.
Comment: This sequence change affects an acceptor splice site in intron 8 of the IDUA gene. It is expected to disrupt RNA splicing. Variants that disrupt the donor or acceptor splice site typically lead to a loss of protein function (PMID: 16199547), and loss-of-function variants in IDUA are known to be pathogenic (PMID: 11735025, 21480867). This variant is not present in population databases (gnomAD no frequency). This variant has not been reported in the literature in individuals affected with IDUA-related conditions. ClinVar contains an entry for this variant (Variation ID: 556504). Algorithms developed to predict the effect of sequence changes on RNA splicing suggest that this variant may disrupt the consensus splice site. In summary, the currently available evidence indicates that the variant is pathogenic, but additional data are needed to prove that conclusively. Therefore, this variant has been classified as Likely Pathogenic.

Fulgent Genetics
Classification: Likely pathogenic for Hurler syndrome; Mucopolysaccharidosis, MPS-I-H/S; Mucopolysaccharidosis, MPS-I-S. Last evaluated: 2022-05-07. Review status: criteria provided, single submitter. Criteria: ACMG Guidelines, 2015. Collection method: clinical testing. Allele origin: unknown.

Counsyl
Classification: Likely pathogenic for Hurler syndrome. Last evaluated: 2018-02-05. Review status: no assertion criteria provided. Collection method: clinical testing. Allele origin: unknown. Not counted in ClinVar's aggregate classification.

Literature cited by the submitters: PubMed 16199547 (cited by Labcorp Genetics (formerly Invitae), Labcorp); PubMed 11735025 (cited by Labcorp Genetics (formerly Invitae), Labcorp); PubMed 21480867 (cited by Labcorp Genetics (formerly Invitae), Labcorp).